The following is an entry in ClinVar:

NM_001114974.2(SMTNL2):c.525C>A (p.Phe175Leu)

Gene: SMTNL2 (smoothelin like 2; plus strand). Cytogenetic location: 17p13.2.
Variant type: single nucleotide variant.
Coding change: c.525C>A on transcript NM_001114974.2 (MANE Select); coding-DNA position 525, C replaced by A.
Protein change: p.Phe175Leu; replaces phenylalanine 175 with leucine.
Molecular consequence: missense variant. On other transcripts: intron variant (1).
Genome position (GRCh38, 1-based): chr17:4,592,966, C>A. VCF-style: chr17-4592966-C-A. GRCh37 (hg19) VCF-style: chr17-4496261-C-A.
Other names: c.93C>A, p.Phe31Leu (NM_198501.3); c.487+518C>A (NM_001375361.1); short protein forms F175L, F31L.
Identifiers: ClinVar variation 730650 (VCV000730650.28), dbSNP rs145126598, ClinGen allele CA8306263.

ClinVar aggregate classification (germline): Likely benign. Review status: criteria provided, multiple submitters, no conflicts (2 of 4 stars). 3 submissions from 3 submitters: Likely benign (3). Last evaluated 2022-12-01.

Allele frequency attached by ClinVar (database versions not stated): 1000 Genomes Project 0.00040; 1000 Genomes Project 30x 0.00062; ExAC 0.00175; gnomAD 0.00183 and 0.00192; ESP Exome Variant Server 0.00192; TOPMed 0.00193; gnomAD exomes 0.00198 and 0.00253.
gnomAD v4.1: 4,011 of 1,614,006 alleles (0.25%); highest among the groups gnomAD compares: Middle Eastern, 0.97%; 10 homozygotes.

Submissions (3):

CeGaT Center for Human Genetics Tuebingen
Classification: Likely benign. Last evaluated: 2022-12-01. Review status: criteria provided, single submitter. Criteria: CeGaT Center For Human Genetics Tuebingen Variant Classification Criteria Version 2. Collection method: clinical testing. Allele origin: germline. Affected: yes. Observed: 1 variant allele.
Comment: SMTNL2: BP4, BS2

Labcorp Genetics (formerly Invitae), Labcorp
Classification: Likely benign. Last evaluated: 2018-03-28. Review status: criteria provided, single submitter. Criteria: Invitae Variant Classification Sherloc (09022015). Collection method: clinical testing. Allele origin: germline.

Breakthrough Genomics
Classification: Likely benign. Review status: criteria provided, single submitter. Criteria: ACMG Guidelines, 2015. Collection method: not provided. Allele origin: germline. Inheritance: Unknown mechanism. Affected: yes.